The following is an entry in ClinVar:

NM_005909.5(MAP1B):c.4990C>T (p.Arg1664Ter)

Gene: MAP1B (microtubule associated protein 1B; plus strand). Cytogenetic location: 5q13.2.
Variant type: single nucleotide variant.
Coding change: c.4990C>T on transcript NM_005909.5 (MANE Select); coding-DNA position 4990, C replaced by T.
Protein change: p.Arg1664Ter; replaces arginine 1664 with a stop codon.
Molecular consequence: nonsense.
Genome position (GRCh38, 1-based): chr5:72,198,345, C>T. VCF-style: chr5-72198345-C-T. GRCh37 (hg19) VCF-style: chr5-71494172-C-T.
Other names: c.4612C>T, p.Arg1538Ter (NM_001324255.2); short protein forms R1538*, R1664*.
Identifiers: ClinVar variation 800722 (VCV000800722.29), dbSNP rs1580026238, ClinGen allele CA360017711.

ClinVar aggregate classification (germline): Pathogenic/Likely pathogenic. Review status: criteria provided, multiple submitters, no conflicts (2 of 4 stars). 4 submissions from 4 submitters: Pathogenic (1); Likely pathogenic (1). 2 of the submissions do not count toward it. Last evaluated 2023-07-01.

Conditions:
White matter deficit.
Cognitive impairment. Also called: cognitive deficit. Identifiers: MedGen C0338656, HP:0100543.
Hypoplasia of the corpus callosum. Also called: Corpus callosum hypoplasia. Identifiers: MedGen C0344482, HP:0002079.
Autism spectrum disorder. Also called: Autism spectrum disorders. Identifiers: MedGen C1510586, MeSH D000067877, MONDO:0005258.
Periventricular nodular heterotopia (PVNH). Identifiers: Orphanet 98892, MedGen C1868720, MeSH D054091, MONDO:0020341, HP:0032388.
Periventricular nodular heterotopia 9. Identifiers: MedGen C5394503, MONDO:0030061, OMIM 618918.
Neurodevelopmental disorder. Identifiers: MedGen C1535926, MeSH D065886, MONDO:0700092.

Submissions (4):

CeGaT Center for Human Genetics Tuebingen
Classification: Pathogenic. Last evaluated: 2023-07-01. Review status: criteria provided, single submitter. Criteria: CeGaT Center For Human Genetics Tuebingen Variant Classification Criteria Version 2. Collection method: clinical testing. Allele origin: germline. Affected: yes. Observed: 1 variant allele.
Comment: MAP1B: PS2, PVS1:Strong, PM2, PP4

Institute of Human Genetics, University of Leipzig Medical Center
Classification: Likely pathogenic for Neurodevelopmental disorder. Last evaluated: 2019-01-01. Review status: criteria provided, single submitter. Criteria: ACMG Guidelines, 2015. Collection method: clinical testing. Allele origin: unknown. Affected: yes.

OMIM
Classification: Pathogenic for PERIVENTRICULAR NODULAR HETEROTOPIA 9. Last evaluated: 2020-06-29. Review status: no assertion criteria provided. Collection method: literature only. Allele origin: germline. Not counted in ClinVar's aggregate classification.

deCODE genetics, Amgen
Classification: risk factor for Intellectual impairment; Autism spectrum disorder; White matter deficit; Corpus callosum hypoplasia; Periventricular nodular heterotopia. Last evaluated: 2017-02-20. Review status: no assertion criteria provided. Collection method: research. Allele origin: de novo. Inheritance: Autosomal dominant inheritance. Affected: yes. Observed: 2 variant alleles. Not counted in ClinVar's aggregate classification.
Comment: variant was de novo in L1 (see PMID:30150678) and then germline in 1 offspring.

As described in PMID:30150678 both carriers and related non-carriers were assessed with an extensive battery of cognitive tests and questionnaires, and their brains imaged for structural changes.

Literature cited by the submitters: PubMed 30150678 (cited by OMIM and deCODE genetics, Amgen).